The following is an entry in ClinVar:

ClinVar aggregate classification (germline): Uncertain significance (1 of 4 stars; one submission).

Submission:

Labcorp Genetics (formerly Invitae), Labcorp
Classification: Uncertain significance. Last evaluated: 2024-09-03. Review status: criteria provided, single submitter. Criteria: Invitae Variant Classification Sherloc (09022015). Collection method: clinical testing. Allele origin: germline.
Comment: This sequence change falls in intron 14 of the NXF5 gene. It does not directly change the encoded amino acid sequence of the NXF5 protein. It affects a nucleotide within the consensus splice site. This variant is not present in population databases (gnomAD no frequency). This variant has not been reported in the literature in individuals affected with NXF5-related conditions. Variants that disrupt the consensus splice site are a relatively common cause of aberrant splicing (PMID: 17576681, 9536098). Algorithms developed to predict the effect of sequence changes on RNA splicing suggest that this variant may disrupt the consensus splice site. In summary, the available evidence is currently insufficient to determine the role of this variant in disease. Therefore, it has been classified as a Variant of Uncertain Significance.

Literature cited by the submitters: PubMed 17576681; PubMed 9536098.

NC_000023.11:g.101837777C>A

Gene: NXF5 (nuclear RNA export factor 5; minus strand). Cytogenetic location: Xq22.1.
Variant type: single nucleotide variant.
Genome position: GRCh38 VCF-style: chrX-101837777-C-A. GRCh37 (hg19) VCF-style: chrX-101092749-C-A.
Identifiers: ClinVar variation 3674232 (VCV003674232.2).